The following is an entry in ClinVar:

NM_002470.4(MYH3):c.2151C>A (p.Gly717=)

Gene: MYH3 (myosin heavy chain 3; minus strand). Cytogenetic location: 17p13.1.
Variant type: single nucleotide variant.
Coding change: c.2151C>A on transcript NM_002470.4 (MANE Select); coding-DNA position 2151, C replaced by A.
Protein change: p.Gly717=; no amino-acid change (glycine 717 retained).
Molecular consequence: synonymous variant.
Genome position (GRCh38, 1-based): chr17:10,641,099, G>T on the plus strand (C>A on the coding strand, the complement: MYH3 is on the minus strand). VCF-style: chr17-10641099-G-T. GRCh37 (hg19) VCF-style: chr17-10544416-G-T.
Identifiers: ClinVar variation 129649 (VCV000129649.32), dbSNP rs876657, ClinGen allele CA153775.

ClinVar aggregate classification (germline): Benign. Review status: criteria provided, multiple submitters, no conflicts (2 of 4 stars). 15 submissions from 11 submitters: Benign (12). 3 of the submissions do not count toward it. Last evaluated 2026-02-04.

Conditions:
Contractures, pterygia, and variable skeletal fusions syndrome 1B. Also called: CONTRACTURES, PTERYGIA, AND SPONDYLOCARPOTARSAL FUSION SYNDROME 1B. Identifiers: MedGen C5193114, MONDO:0020746, OMIM 618469.
Arthrogryposis, distal, type 2B3. Also called: Arthrogryposis, distal, type 2B3 (Sheldon-Hall). Identifiers: MedGen C5193098, MONDO:0032751, OMIM 618436.
Freeman-Sheldon syndrome (DA2A). Also called: Arthrogryposis, distal, type 2A (Freeman-Sheldon); WHISTLING FACE-WINDMILL VANE HAND SYNDROME; CRANIOCARPOTARSAL DYSPLASIA; CRANIOCARPOTARSAL DYSTROPHY. Identifiers: Orphanet 2053, MedGen C0265224, MONDO:0008675, OMIM 193700.
Distal arthrogryposis type 2B1 (DA2B1). Also called: Arthrogryposis multiplex congenita distal type II with craniofacial abnormalities. Identifiers: Orphanet 1147, MedGen C5193014, MONDO:0020820, OMIM 601680.
Contractures, pterygia, and spondylocarpotarsal fusion syndrome 1A (CPSFS1A). Also called: Contractures, pterygia, and variable skeletal fusions syndrome 1A; MULTIPLE PTERYGIUM SYNDROME, AUTOSOMAL DOMINANT; Distal arthrogryposis type 8. Identifiers: Orphanet 65743, MedGen C1867440, MONDO:0008338, OMIM 178110.

Allele frequency attached by ClinVar (database versions not stated): 1000 Genomes Project 30x 0.46268; TOPMed 0.54711; ESP Exome Variant Server 0.58173; gnomAD 0.58590.
gnomAD v4.1: 1,083,214 of 1,604,760 alleles (68%); highest among the groups gnomAD compares: Non-Finnish European, 73%; 377,892 homozygotes.

Submissions (15):

Labcorp Genetics (formerly Invitae), Labcorp
Classification: Benign. Last evaluated: 2026-02-04. Review status: criteria provided, single submitter. Criteria: Invitae Variant Classification Sherloc (09022015). Collection method: clinical testing. Allele origin: germline.

Blueprint Genetics
Classification: Benign. Last evaluated: 2024-11-28. Review status: criteria provided, single submitter. Criteria: ACMG Guidelines, 2015. Collection method: clinical testing. Allele origin: germline.

Genome-Nilou Lab
Classification: Benign for Freeman-Sheldon syndrome. Last evaluated: 2021-09-05. Review status: criteria provided, single submitter. Criteria: ACMG Guidelines, 2015. Collection method: clinical testing. Allele origin: germline. Affected: no.

Genome-Nilou Lab
Classification: Benign for Arthrogryposis, distal, type 2B3. Last evaluated: 2021-09-05. Review status: criteria provided, single submitter. Criteria: ACMG Guidelines, 2015. Collection method: clinical testing. Allele origin: germline. Affected: no.

Genome-Nilou Lab
Classification: Benign for Contractures, pterygia, and spondylocarpotarsal fusion syndrome 1A. Last evaluated: 2021-09-05. Review status: criteria provided, single submitter. Criteria: ACMG Guidelines, 2015. Collection method: clinical testing. Allele origin: germline. Affected: no.

Genome-Nilou Lab
Classification: Benign for Contractures, pterygia, and variable skeletal fusions syndrome 1B. Last evaluated: 2021-09-05. Review status: criteria provided, single submitter. Criteria: ACMG Guidelines, 2015. Collection method: clinical testing. Allele origin: germline. Affected: no.

GeneDx
Classification: Benign. Last evaluated: 2018-11-12. Review status: criteria provided, single submitter. Criteria: GeneDx Variant Classification Process June 2021. Collection method: clinical testing. Allele origin: germline. Affected: yes.

Illumina Laboratory Services, Illumina
Classification: Benign for Distal arthrogryposis type 2B1. Last evaluated: 2018-01-13. Review status: criteria provided, single submitter. Criteria: ICSL Variant Classification Criteria 13 December 2019. Collection method: clinical testing. Allele origin: germline.
Comment: This variant was observed in the ICSL laboratory as part of a predisposition screen in an ostensibly healthy population. It had not been previously curated by ICSL or reported in the Human Gene Mutation Database (HGMD: prior to June 1st, 2018), and was therefore a candidate for classification through an automated scoring system. Utilizing variant allele frequency, disease prevalence and penetrance estimates, and inheritance mode, an automated score was calculated to assess if this variant is too frequent to cause the disease. Based on the score and internal cut-off values, a variant classified as benign is not then subjected to further curation. The score for this variant resulted in a classification of benign for this disease.

Illumina Laboratory Services, Illumina
Classification: Benign for Freeman-Sheldon syndrome. Last evaluated: 2018-01-13. Review status: criteria provided, single submitter. Criteria: ICSL Variant Classification Criteria 13 December 2019. Collection method: clinical testing. Allele origin: germline.
Comment: the same text as in the submission from Illumina Laboratory Services, Illumina above.

Genetic Services Laboratory, University of Chicago
Classification: Benign for AllHighlyPenetrant. Last evaluated: 2013-08-15. Review status: criteria provided, single submitter. Criteria: ACMG Guidelines, 2007. Collection method: clinical testing. Allele origin: germline. Inheritance: Autosomal dominant inheritance.

Breakthrough Genomics
Classification: Benign. Review status: criteria provided, single submitter. Criteria: ACMG Guidelines, 2015. Collection method: not provided. Allele origin: germline. Inheritance: Autosomal recessive inheritance. Affected: yes.

PreventionGenetics, part of Exact Sciences
Classification: Benign. Review status: criteria provided, single submitter. Criteria: ACMG Guidelines, 2015. Collection method: clinical testing. Allele origin: germline.

Clinical Genetics, Academic Medical Center
Classification: Benign. Review status: no assertion criteria provided. Collection method: clinical testing. Allele origin: germline. Affected: yes. Study: VKGL Data-share Consensus. Not counted in ClinVar's aggregate classification.

Diagnostic Laboratory, Department of Genetics, University Medical Center Groningen
Classification: Benign. Review status: no assertion criteria provided. Collection method: clinical testing. Allele origin: germline. Affected: yes. Study: VKGL Data-share Consensus. Not counted in ClinVar's aggregate classification.

Joint Genome Diagnostic Labs from Nijmegen and Maastricht, Radboudumc and MUMC+
Classification: Benign. Review status: no assertion criteria provided. Collection method: clinical testing. Allele origin: germline. Affected: yes. Study: VKGL Data-share Consensus. Not counted in ClinVar's aggregate classification.